The following is an entry in ClinVar:

ClinVar aggregate classification (germline): Pathogenic (1 of 4 stars; one submission).

Conditions:
Tuberous sclerosis syndrome (TSC). Also called: Tuberous sclerosis; Tuberous Sclerosis Complex. Identifiers: Orphanet 805, MedGen C0041341, MONDO:0001734.

Submission:

Women's Health and Genetics/Laboratory Corporation of America, LabCorp
Classification: Pathogenic for Tuberous sclerosis syndrome. Last evaluated: 2023-07-28. Review status: criteria provided, single submitter. Criteria: LabCorp Variant Classification Summary - May 2015. Collection method: clinical testing. Allele origin: germline.
Comment: Variant summary: TSC2 c.1254delG (p.Arg418SerfsX7) results in a premature termination codon, predicted to cause a truncation of the encoded protein or absence of the protein due to nonsense mediated decay, which are commonly known mechanisms for disease. The variant was absent in 250656 control chromosomes. To our knowledge, no occurrence of c.1254delG in individuals affected with Tuberous Sclerosis Complex and no experimental evidence demonstrating its impact on protein function have been reported. No submitters have cited clinical-significance assessments for this variant to ClinVar after 2014. Based on the evidence outlined above, the variant was classified as pathogenic.

NM_000548.5(TSC2):c.1254del (p.Arg418fs)

Gene: TSC2 (TSC complex subunit 2; plus strand). Cytogenetic location: 16p13.3.
Variant type: Deletion.
Coding change: c.1254del on transcript NM_000548.5 (MANE Select); coding-DNA position 1254, one base deleted (G; older notation c.1254delG).
Protein change: p.Arg418fs; shifts the reading frame from arginine 418.
Molecular consequence: frameshift variant. On other transcripts: 5 prime UTR variant (10), non-coding transcript variant (5).
Genome position (GRCh38, 1-based): chr16:2,062,005, G deleted; the last of 2 consecutive G bases (chr16:2,062,004-2,062,005); deleting either gives the same sequence. VCF-style (leftmost placement, unchanged base first): chr16-2062003-AG-A. GRCh37 (hg19) VCF-style: chr16-2112004-AG-A.
Other names: c.1254del, p.Arg418fs (NM_001077183.3, NM_001114382.3, NM_001363528.2 and 6 more transcripts); c.1143del, p.Arg381fs (NM_001318827.2, NM_001406670.1, NM_001406678.1); c.1107del, p.Arg369fs (NM_001318829.2, NM_001406675.1, NM_001406676.1 and 1 more transcripts); c.654del, p.Arg218fs (NM_001318831.2, NM_001406680.1, NM_001406682.1 and 6 more transcripts); c.1287del, p.Arg429fs (NM_001318832.2); c.1344del, p.Arg448fs (NM_001406667.1, NM_001406668.1); c.1242del, p.Arg414fs (NM_001406671.1, NM_001406673.1); c.1197del, p.Arg399fs (NM_001406677.1); and 4 more; short protein forms R218fs, R264fs, R369fs, R381fs, R399fs, R414fs, R418fs, R429fs.
Identifiers: ClinVar variation 2577322 (VCV002577322.1), dbSNP rs2548538848, ClinGen allele CA2580613385.